The following is an entry in ClinVar:

ClinVar aggregate classification (germline): Uncertain significance (1 of 4 stars; one submission).

Conditions:
Pyogenic arthritis-pyoderma gangrenosum-acne syndrome (PAPA). Also called: FAMILIAL RECURRENT ARTHRITIS; PAPA SYNDROME. Identifiers: Orphanet 69126, MedGen C1858361, MONDO:0011462, OMIM 604416.

Submission:

Labcorp Genetics (formerly Invitae), Labcorp
Classification: Uncertain significance for Pyogenic arthritis-pyoderma gangrenosum-acne syndrome. Last evaluated: 2024-09-08. Review status: criteria provided, single submitter. Criteria: Invitae Variant Classification Sherloc (09022015). Collection method: clinical testing. Allele origin: germline.
Comment: This sequence change replaces aspartic acid, which is acidic and polar, with histidine, which is basic and polar, at codon 153 of the PSTPIP1 protein (p.Asp153His). This variant is not present in population databases (gnomAD no frequency). This variant has not been reported in the literature in individuals affected with PSTPIP1-related conditions. Invitae Evidence Modeling of protein sequence and biophysical properties (such as structural, functional, and spatial information, amino acid conservation, physicochemical variation, residue mobility, and thermodynamic stability) indicates that this missense variant is not expected to disrupt PSTPIP1 protein function with a negative predictive value of 80%. In summary, the available evidence is currently insufficient to determine the role of this variant in disease. Therefore, it has been classified as a Variant of Uncertain Significance.

NM_003978.5(PSTPIP1):c.457G>C (p.Asp153His)

Gene: PSTPIP1 (proline-serine-threonine phosphatase interacting protein 1; plus strand). Cytogenetic location: 15q24.3.
Variant type: single nucleotide variant.
Coding change: c.457G>C on transcript NM_003978.5 (MANE Select); coding-DNA position 457, G replaced by C.
Protein change: p.Asp153His; replaces aspartic acid 153 with histidine.
Molecular consequence: missense variant. On other transcripts: non-coding transcript variant (1).
Genome position (GRCh38, 1-based): chr15:77,028,593, G>C. VCF-style: chr15-77028593-G-C. GRCh37 (hg19) VCF-style: chr15-77320934-G-C.
Other names: c.457G>C, p.Asp153His (NM_001321135.2, NM_001411086.1); c.430G>C, p.Asp144His (NM_001321136.2); c.652G>C, p.Asp218His (NM_001321137.1); short protein forms D144H, D153H, D218H.
Identifiers: ClinVar variation 3674332 (VCV003674332.2).
Genomic context (GRCh38, chr15:77,028,593, plus strand): 5'-CACGCCCCTCCACACCCCCAGTCCAAGAAGACATACGAGCAGAAGTGCCGGGACGCGGAC[G>C]ACGCGGAGCAGGCCTTCGAGCGCATTAGCGCCAACGGCCACCAGAAGCAGGTGGAGAAGG-3'
Protein context (NP_003969.2, residues 143-163): TYEQKCRDAD[Asp153His]AEQAFERISA